The following is an entry in ClinVar:

ClinVar aggregate classification (germline): Uncertain significance (1 of 4 stars; one submission).

Submission:

GeneDx
Classification: Uncertain significance. Last evaluated: 2026-02-12. Review status: criteria provided, single submitter. Criteria: GeneDx Variant Classification Process June 2021. Collection method: clinical testing. Allele origin: germline.
Comment: Not observed at significant frequency in large population cohorts (gnomAD); In silico analysis suggests that this missense variant does not alter protein structure/function; Has not been previously published as pathogenic or benign to our knowledge

NM_032793.5(MFSD2A):c.278A>G (p.Asp93Gly)

Gene: MFSD2A (MFSD2 lysolipid transporter A, lysophospholipid; plus strand). Cytogenetic location: 1p34.2.
Variant type: single nucleotide variant.
Coding change: c.278A>G on transcript NM_032793.5 (MANE Select); coding-DNA position 278, A replaced by G.
Protein change: p.Asp93Gly; replaces aspartic acid 93 with glycine.
Molecular consequence: missense variant. On other transcripts: 5 prime UTR variant (1), non-coding transcript variant (1), intron variant (1).
Genome position (GRCh38, 1-based): chr1:39,958,750, A>G. VCF-style: chr1-39958750-A-G. GRCh37 (hg19) VCF-style: chr1-40424422-A-G.
Other names: c.317A>G, p.Asp106Gly (NM_001136493.3); c.167A>G, p.Asp56Gly (NM_001287809.2); c.272A>G, p.Asp91Gly (NM_001349821.2); c.278A>G, p.Asp93Gly (NM_001349822.2); c.-68A>G (NM_001349823.2); c.-116+3365A>G (NM_001287808.2); short protein forms D106G, D56G, D91G, D93G.
Identifiers: ClinVar variation 3361106 (VCV003361106.2).
Genomic context (GRCh38, chr1:39,958,750, plus strand): 5'-CCTCATTCCAGGTGGGCCCTTTCTCTGCCTCCATCATCCTGTTTGTGGGCCGAGCCTGGG[A>G]TGCCATCACAGACCCCCTGGTGGGCCTCTGCATCAGCAAATCCCCCTGGACCTGCCTGGG-3'
Protein context (NP_116182.2, residues 83-103): SIILFVGRAW[Asp93Gly]AITDPLVGLC